The following is an entry in ClinVar:

NM_001270508.2(TNFAIP3):c.440_441del (p.Leu147fs)

Gene: TNFAIP3 (TNF alpha induced protein 3; plus strand). Cytogenetic location: 6q23.3.
Variant type: Microsatellite.
Coding change: c.440_441del on transcript NM_001270508.2 (MANE Select); coding-DNA positions 440 to 441, 2 bases deleted (TC; older notation c.440_441delTC).
Protein change: p.Leu147fs; shifts the reading frame from leucine 147.
Molecular consequence: frameshift variant.
Genome position (GRCh38, 1-based): chr6:137,874,989-137,874,990, TC deleted; deleting any 2 consecutive bases within chr6:137,874,985-137,874,990 gives the same sequence; the c. name uses the placement nearest the transcript's 3' end. VCF-style (leftmost placement, unchanged base first): chr6-137874984-GTC-G. GRCh37 (hg19) VCF-style: chr6-138196121-GTC-G.
Other names: c.440_441del, p.Leu147fs (NM_001270507.2, NM_006290.4); short protein forms L147fs.
Identifiers: ClinVar variation 3677052 (VCV003677052.2).

ClinVar aggregate classification (germline): Pathogenic (1 of 4 stars; one submission).

Submission:

Labcorp Genetics (formerly Invitae), Labcorp
Classification: Pathogenic. Last evaluated: 2024-03-01. Review status: criteria provided, single submitter. Criteria: Invitae Variant Classification Sherloc (09022015). Collection method: clinical testing. Allele origin: germline.
Comment: This sequence change creates a premature translational stop signal (p.Leu147Glnfs*7) in the TNFAIP3 gene. It is expected to result in an absent or disrupted protein product. Loss-of-function variants in TNFAIP3 are known to be pathogenic (PMID: 26642243). This variant is not present in population databases (gnomAD no frequency). This premature translational stop signal has been observed in individual(s) with familial Behcet-like autoinflammatory syndrome (PMID: 34011076). This variant is also known as c.436-437deTC. For these reasons, this variant has been classified as Pathogenic.

Literature cited by the submitters: PubMed 26642243; PubMed 34011076.